The following is an entry in ClinVar:

ClinVar aggregate classification (germline): Uncertain significance (1 of 4 stars; one submission).

Conditions:
Hereditary cancer-predisposing syndrome. Also called: Neoplastic Syndromes, Hereditary; Tumor predisposition; Hereditary Cancer Syndrome; Hereditary neoplastic syndrome. Identifiers: Orphanet 140162, MedGen C0027672, MeSH D009386, MONDO:0015356.

Submission:

Ambry Genetics
Classification: Uncertain significance for Hereditary cancer-predisposing syndrome. Last evaluated: 2024-10-02. Review status: criteria provided, single submitter. Criteria: Ambry Variant Classification Scheme 2023. Collection method: clinical testing. Allele origin: germline.
Comment: The p.E1169G variant (also known as c.3506A>G), located in coding exon 23 of the ATM gene, results from an A to G substitution at nucleotide position 3506. The glutamic acid at codon 1169 is replaced by glycine, an amino acid with similar properties. This amino acid position is highly conserved in available vertebrate species. In addition, this alteration is predicted to be deleterious by in silico analysis. Based on the available evidence, the clinical significance of this variant remains unclear.

NM_000051.4(ATM):c.3506A>G (p.Glu1169Gly)

Gene: ATM (ATM serine/threonine kinase; plus strand). Cytogenetic location: 11q22.3.
Variant type: single nucleotide variant.
Coding change: c.3506A>G on transcript NM_000051.4 (MANE Select); coding-DNA position 3506, A replaced by G.
Protein change: p.Glu1169Gly; replaces glutamic acid 1169 with glycine.
Molecular consequence: missense variant.
Genome position (GRCh38, 1-based): chr11:108,281,098, A>G. VCF-style: chr11-108281098-A-G. GRCh37 (hg19) VCF-style: chr11-108151825-A-G.
Other names: c.3506A>G, p.Glu1169Gly (NM_001351834.2); short protein forms E1169G.
Identifiers: ClinVar variation 1732114 (VCV001732114.3), dbSNP rs2546870742, ClinGen allele CA382519870.